The following is an entry in ClinVar:

ClinVar aggregate classification (germline): Benign. Review status: criteria provided, multiple submitters, no conflicts (2 of 4 stars). 2 submissions from 2 submitters: Benign (2). Last evaluated 2018-06-14.

Allele frequency attached by ClinVar (database versions not stated): 1000 Genomes Project 0.03215; 1000 Genomes Project 30x 0.03232; TOPMed 0.04549.
gnomAD v4.1: 7,391 of 152,202 alleles (4.9%); highest among the groups gnomAD compares: Middle Eastern, 8.8%; 234 homozygotes.

Submissions (2):

GeneDx
Classification: Benign. Last evaluated: 2018-06-14. Review status: criteria provided, single submitter. Criteria: GeneDx Variant Classification (06012015). Collection method: clinical testing. Allele origin: germline. Affected: yes.
Comment: This variant is considered likely benign or benign based on one or more of the following criteria: it is a conservative change, it occurs at a poorly conserved position in the protein, it is predicted to be benign by multiple in silico algorithms, and/or has population frequency not consistent with disease.

Breakthrough Genomics
Classification: Benign. Review status: criteria provided, single submitter. Criteria: ACMG Guidelines, 2015. Collection method: not provided. Allele origin: germline. Inheritance: Autosomal dominant inheritance. Affected: yes.

NM_000093.5(COL5A1):c.1881+292G>A

Gene: COL5A1 (collagen type V alpha 1 chain; plus strand). Cytogenetic location: 9q34.3.
Variant type: single nucleotide variant.
Coding change: c.1881+292G>A on transcript NM_000093.5 (MANE Select); 292 bases into the intron after coding-DNA position 1881, G replaced by A.
Molecular consequence: intron variant.
Genome position (GRCh38, 1-based): chr9:134,757,110, G>A. VCF-style: chr9-134757110-G-A. GRCh37 (hg19) VCF-style: chr9-137648956-G-A.
Other names: c.1881+292G>A (NM_001278074.1).
Identifiers: ClinVar variation 669687 (VCV000669687.2), dbSNP rs7025035, ClinGen allele CA13060258.